The following is an entry in ClinVar:

NM_002519.3(NPAT):c.340A>G (p.Arg114Gly)

Gene: NPAT (nuclear protein, coactivator of histone transcription; minus strand). Cytogenetic location: 11q22.3.
Variant type: single nucleotide variant.
Coding change: c.340A>G on transcript NM_002519.3 (MANE Select); coding-DNA position 340, A replaced by G.
Protein change: p.Arg114Gly; replaces arginine 114 with glycine.
Molecular consequence: missense variant.
Genome position (GRCh38, 1-based): chr11:108,189,322, T>C on the plus strand (A>G on the coding strand, the complement: NPAT is on the minus strand). VCF-style: chr11-108189322-T-C. GRCh37 (hg19) VCF-style: chr11-108060049-T-C.
Other names: c.340A>G, p.Arg114Gly (NM_001321307.1); short protein forms R114G.
Identifiers: ClinVar variation 3616687 (VCV003616687.2).

ClinVar aggregate classification (germline): Uncertain significance (1 of 4 stars; one submission).

gnomAD v4.1: 16 of 1,614,204 alleles (0.00099%); highest among the groups gnomAD compares: Non-Finnish European, 0.0014%; no homozygotes.

Submission:

Labcorp Genetics (formerly Invitae), Labcorp
Classification: Uncertain significance. Last evaluated: 2024-07-08. Review status: criteria provided, single submitter. Criteria: Invitae Variant Classification Sherloc (09022015). Collection method: clinical testing. Allele origin: germline.
Comment: This sequence change replaces arginine, which is basic and polar, with glycine, which is neutral and non-polar, at codon 114 of the NPAT protein (p.Arg114Gly). This variant is present in population databases (rs373298862, gnomAD 0.0009%). This variant has not been reported in the literature in individuals affected with NPAT-related conditions. An algorithm developed to predict the effect of missense changes on protein structure and function (PolyPhen-2) suggests that this variant is likely to be disruptive. In summary, the available evidence is currently insufficient to determine the role of this variant in disease. Therefore, it has been classified as a Variant of Uncertain Significance.